The following is an entry in ClinVar:

NM_032737.4(LMNB2):c.1417A>G (p.Ser473Gly)

Gene: LMNB2 (lamin B2; minus strand). Cytogenetic location: 19p13.3.
Variant type: single nucleotide variant.
Coding change: c.1417A>G on transcript NM_032737.4 (MANE Select); coding-DNA position 1417, A replaced by G.
Protein change: p.Ser473Gly; replaces serine 473 with glycine.
Molecular consequence: missense variant.
Genome position (GRCh38, 1-based): chr19:2,433,891, T>C on the plus strand (A>G on the coding strand, the complement: LMNB2 is on the minus strand). VCF-style: chr19-2433891-T-C. GRCh37 (hg19) VCF-style: chr19-2433889-T-C.
Other names: short protein forms S473G.
Identifiers: ClinVar variation 4535993 (VCV004535993.1).
Genomic context (GRCh38, chr19:2,433,891, plus strand): 5'-CCGAGTTGTTCTTGAGCTGCACAAACTTGCCCTCCAGGTCGATCTCCTCGATGCTGACGC[T>C]ACCCGAGGCCGAGGCCTGCTGGGCCAGGTGGAAGCCACCGCTGCCACCCGTGCCCGTGCC-3'
Protein context (NP_116126.3, residues 463-483): HLAQQASASG[Ser473Gly]VSIEEIDLEG

ClinVar aggregate classification (germline): Uncertain significance (1 of 4 stars; one submission).

gnomAD v4.1: 2 of 1,612,472 alleles (0.00012%); highest among the groups gnomAD compares: African/African-American, 0.0027%; no homozygotes.

Submission:

Women's Health and Genetics/Laboratory Corporation of America, LabCorp
Classification: Uncertain significance. Last evaluated: 2025-09-24. Review status: criteria provided, single submitter. Criteria: LabCorp Variant Classification Summary - May 2015. Collection method: clinical testing. Allele origin: germline.
Comment: Variant summary: LMNB2 c.1417A>G (p.Ser473Gly) results in a non-conservative amino acid change in the encoded protein sequence. Algorithms developed to predict the effect of missense changes on protein structure and function are either unavailable or do not agree on the potential impact of this missense change. The variant allele was found at a frequency of 4.1e-06 in 245838 control chromosomes. The available data on variant occurrences in the general population are insufficient to allow any conclusion about variant significance. To our knowledge, no occurrence of c.1417A>G in individuals affected with LMNB2-related conditions and no experimental evidence demonstrating its impact on protein function have been reported. No submitters have cited clinical-significance assessments for this variant to ClinVar. Based on the evidence outlined above, the variant was classified as uncertain significance.